The following is an entry in ClinVar:

NM_000141.5(FGFR2):c.376G>A (p.Asp126Asn)

Gene: FGFR2 (fibroblast growth factor receptor 2; minus strand). Cytogenetic location: 10q26.13.
Variant type: single nucleotide variant.
Coding change: c.376G>A on transcript NM_000141.5 (MANE Select); coding-DNA position 376, G replaced by A.
Protein change: p.Asp126Asn; replaces aspartic acid 126 with asparagine.
Molecular consequence: missense variant. On other transcripts: intron variant (9).
Genome position (GRCh38, 1-based): chr10:121,565,438, C>T on the plus strand (G>A on the coding strand, the complement: FGFR2 is on the minus strand). VCF-style: chr10-121565438-C-T. GRCh37 (hg19) VCF-style: chr10-123324952-C-T.
Other names: c.376G>A, p.Asp126Asn (NM_001144913.1, NM_001144914.1, NM_001144917.2 and 3 more transcripts); c.110-13979G>A (NM_001144918.2, NM_001441091.1, NM_001441090.1 and 1 more transcripts); c.110-859G>A (NM_001441089.1, NM_023029.3, NM_001441088.1 and 2 more transcripts); short protein forms D126N.
Identifiers: ClinVar variation 388241 (VCV000388241.9), dbSNP rs1057523040, ClinGen allele CA16605613.

ClinVar aggregate classification (germline): Uncertain significance. Review status: criteria provided, multiple submitters, no conflicts (2 of 4 stars). 2 submissions from 2 submitters: Uncertain significance (2). Last evaluated 2022-07-05.

Conditions:
FGFR2-related craniosynostosis. Identifiers: MedGen CN231480.

Allele frequency attached by ClinVar (database versions not stated): TOPMed below 0.00001; gnomAD 0.00001.
gnomAD v4.1: 1 of 1,613,996 alleles (0.000062%); highest among the groups gnomAD compares: African/African-American, 0.0013%; no homozygotes.

Submissions (2):

Labcorp Genetics (formerly Invitae), Labcorp
Classification: Uncertain significance for FGFR2-related craniosynostosis. Last evaluated: 2022-07-05. Review status: criteria provided, single submitter. Criteria: Invitae Variant Classification Sherloc (09022015). Collection method: clinical testing. Allele origin: germline.
Comment: In summary, the available evidence is currently insufficient to determine the role of this variant in disease. Therefore, it has been classified as a Variant of Uncertain Significance. Algorithms developed to predict the effect of sequence changes on RNA splicing suggest that this variant may disrupt the consensus splice site. Algorithms developed to predict the effect of missense changes on protein structure and function are either unavailable or do not agree on the potential impact of this missense change (SIFT: "Deleterious"; PolyPhen-2: "Possibly Damaging"; Align-GVGD: "Class C0"). ClinVar contains an entry for this variant (Variation ID: 388241). This variant has not been reported in the literature in individuals affected with FGFR2-related conditions. This variant is present in population databases (no rsID available, gnomAD 0.01%). This sequence change replaces aspartic acid, which is acidic and polar, with asparagine, which is neutral and polar, at codon 126 of the FGFR2 protein (p.Asp126Asn).

GeneDx
Classification: Uncertain significance. Last evaluated: 2016-08-01. Review status: criteria provided, single submitter. Criteria: GeneDx Variant Classification (06012015). Collection method: clinical testing. Allele origin: germline. Affected: yes.
Comment: A novel D126N variant of uncertain significance was identified in the FGFR2 gene. It has not been published as apathogenic variant, nor has it been reported as a benign variant to our knowledge. The D126N variant was notobserved in approximately 6500 individuals of European and African American ancestry in the NHLBI ExomeSequencing Project, indicating it is not a common benign variant in these populations. The D126N variant is asemi-conservative amino acid substitution, which may impact secondary protein structure as these residues differ insome properties. This substitution occurs at a position that is conserved. In silico analysis predicts this variant isprobably damaging to the protein structure/function.